The following is an entry in ClinVar:

NM_016239.4(MYO15A):c.8800G>A (p.Gly2934Arg)

Gene: MYO15A (myosin XVA; plus strand). Cytogenetic location: 17p11.2.
Variant type: single nucleotide variant.
Coding change: c.8800G>A on transcript NM_016239.4 (MANE Select); coding-DNA position 8800, G replaced by A.
Protein change: p.Gly2934Arg; replaces glycine 2934 with arginine.
Molecular consequence: missense variant.
Genome position (GRCh38, 1-based): chr17:18,157,733, G>A. VCF-style: chr17-18157733-G-A. GRCh37 (hg19) VCF-style: chr17-18061047-G-A.
Other names: short protein forms G2934R.
Identifiers: ClinVar variation 3610335 (VCV003610335.2).
Genomic context (GRCh38, chr17:18,157,733, plus strand): 5'-CACAAGACAAGACCCTCCTGTTTGCCTCAGACCTTTTACCCACCCCTAGGCTGGAGGTTC[G>A]GGACCATCCACGGGCGCGTGGGCCGCTTCCCTTCGGAGCTGGTGCAGCCCGCTGCTGCCC-3'
Protein context (NP_057323.3, residues 2924-2944): RRGPDFGWRF[Gly2934Arg]TIHGRVGRFP

ClinVar aggregate classification (germline): Uncertain significance (1 of 4 stars; one submission).

gnomAD v4.1: 12 of 1,606,180 alleles (0.00075%); highest among the groups gnomAD compares: Admixed American, 0.005%; no homozygotes.

Submission:

Labcorp Genetics (formerly Invitae), Labcorp
Classification: Uncertain significance. Last evaluated: 2026-01-20. Review status: criteria provided, single submitter. Criteria: Invitae Variant Classification Sherloc (09022015). Collection method: clinical testing. Allele origin: germline.
Comment: This sequence change replaces glycine, which is neutral and non-polar, with arginine, which is basic and polar, at codon 2934 of the MYO15A protein (p.Gly2934Arg). This variant is present in population databases (rs751535070, gnomAD 0.006%). This variant has not been reported in the literature in individuals affected with MYO15A-related conditions. ClinVar contains an entry for this variant (Variation ID: 3610335). Invitae Evidence Modeling of protein sequence and biophysical properties (such as structural, functional, and spatial information, amino acid conservation, physicochemical variation, residue mobility, and thermodynamic stability) indicates that this missense variant is not expected to disrupt MYO15A protein function with a negative predictive value of 95%. In summary, the available evidence is currently insufficient to determine the role of this variant in disease. Therefore, it has been classified as a Variant of Uncertain Significance.